The following is an entry in ClinVar:

ClinVar aggregate classification (germline): Conflicting classifications of pathogenicity. Review status: criteria provided, conflicting classifications (1 of 4 stars). 3 submissions from 3 submitters: Uncertain significance (2); Benign (1). Last evaluated 2022-10-01.

Conditions:
Mannose-binding lectin deficiency. Also called: MBP DEFICIENCY; MBL DEFICIENCY; MBL2 DEFICIENCY; LECTIN COMPLEMENT ACTIVATION PATHWAY, DEFECT IN, 1; Chronic infections, due to MBL deficiency. Identifiers: MedGen C3280586, MONDO:0013714, OMIM 614372.

Allele frequency attached by ClinVar (database versions not stated): 1000 Genomes Project 0.00120; 1000 Genomes Project 30x 0.00172; TOPMed 0.00449.

Submissions (3):

CeGaT Center for Human Genetics Tuebingen
Classification: Benign. Last evaluated: 2022-10-01. Review status: criteria provided, single submitter. Criteria: CeGaT Center For Human Genetics Tuebingen Variant Classification Criteria Version 2. Collection method: clinical testing. Allele origin: germline. Affected: yes. Observed: 1 variant allele.
Comment: MBL2: BS1, BS2

Illumina Laboratory Services, Illumina
Classification: Uncertain significance for Mannose-binding lectin deficiency. Last evaluated: 2018-01-13. Review status: criteria provided, single submitter. Criteria: ICSL Variant Classification Criteria 13 December 2019. Collection method: clinical testing. Allele origin: germline.

Breakthrough Genomics
Classification: Uncertain significance. Review status: criteria provided, single submitter. Criteria: ACMG Guidelines, 2015. Collection method: not provided. Allele origin: germline. Inheritance: Autosomal dominant inheritance. Affected: yes.

NM_001378373.1(MBL2):c.*1695G>T

Gene: MBL2 (mannose binding lectin 2; minus strand). Cytogenetic location: 10q21.1.
Variant type: single nucleotide variant.
Coding change: c.*1695G>T on transcript NM_001378373.1 (MANE Select); 1695 bases downstream of the stop codon, G replaced by T.
Molecular consequence: 3 prime UTR variant.
Genome position (GRCh38, 1-based): chr10:52,766,442, C>A on the plus strand (G>T on the coding strand, the complement: MBL2 is on the minus strand). VCF-style: chr10-52766442-C-A. GRCh37 (hg19) VCF-style: chr10-54526202-C-A.
Other names: c.*1695G>T (NM_000242.3, NM_001378374.1).
Identifiers: ClinVar variation 300122 (VCV000300122.30), dbSNP rs35768126, ClinGen allele CA10628684.